The following is an entry in ClinVar:

NM_012330.4(KAT6B):c.3270T>A (p.Asp1090Glu)

Gene: KAT6B (lysine acetyltransferase 6B; plus strand). Cytogenetic location: 10q22.2.
Variant type: single nucleotide variant.
Coding change: c.3270T>A on transcript NM_012330.4 (MANE Select); coding-DNA position 3270, T replaced by A.
Protein change: p.Asp1090Glu; replaces aspartic acid 1090 with glutamic acid.
Molecular consequence: missense variant.
Genome position (GRCh38, 1-based): chr10:75,022,129, T>A. VCF-style: chr10-75022129-T-A. GRCh37 (hg19) VCF-style: chr10-76781887-T-A.
Other names: c.2721T>A, p.Asp907Glu (NM_001256468.2, NM_001370138.1); c.2394T>A, p.Asp798Glu (NM_001256469.2, NM_001370139.1, NM_001370140.1 and 2 more transcripts); c.2232T>A, p.Asp744Glu (NM_001370132.1); c.1581T>A, p.Asp527Glu (NM_001370133.1); c.1185T>A, p.Asp395Glu (NM_001370134.1); c.927T>A, p.Asp309Glu (NM_001370135.1); c.3270T>A, p.Asp1090Glu (NM_001370136.1, NM_001370137.1); c.2205T>A, p.Asp735Glu (NM_001370143.1, NM_001370144.1); short protein forms D395E, D744E, D907E, D1090E, D309E, D527E, D735E, D798E.
Identifiers: ClinVar variation 2061460 (VCV002061460.4), dbSNP rs569909731, ClinGen allele CA377284654.

ClinVar aggregate classification (germline): Uncertain significance (1 of 4 stars; one submission).

Conditions:
Genitopatellar syndrome (GTPTS). Also called: Genitopatellar syndrome (GPS); ABSENT PATELLAE, SCROTAL HYPOPLASIA, RENAL ANOMALIES, FACIAL DYSMORPHISM, AND MENTAL RETARDATION. Identifiers: Orphanet 85201, MedGen C1853566, MONDO:0011640, OMIM 606170.

Submission:

Labcorp Genetics (formerly Invitae), Labcorp
Classification: Uncertain significance for Genitopatellar syndrome. Last evaluated: 2023-01-28. Review status: criteria provided, single submitter. Criteria: Invitae Variant Classification Sherloc (09022015). Collection method: clinical testing. Allele origin: germline.
Comment: In summary, the available evidence is currently insufficient to determine the role of this variant in disease. Therefore, it has been classified as a Variant of Uncertain Significance. Advanced modeling of protein sequence and biophysical properties (such as structural, functional, and spatial information, amino acid conservation, physicochemical variation, residue mobility, and thermodynamic stability) performed at Invitae indicates that this missense variant is not expected to disrupt KAT6B protein function. This variant has not been reported in the literature in individuals affected with KAT6B-related conditions. This variant is not present in population databases (gnomAD no frequency). This sequence change replaces aspartic acid, which is acidic and polar, with glutamic acid, which is acidic and polar, at codon 1090 of the KAT6B protein (p.Asp1090Glu).